The following is an entry in ClinVar:

ClinVar aggregate classification (germline): Likely benign. Review status: criteria provided, multiple submitters, no conflicts (2 of 4 stars). 2 submissions from 2 submitters: Likely benign (2). Last evaluated 2026-03-01.

Allele frequency attached by ClinVar (database versions not stated): ESP Exome Variant Server 0.00031; gnomAD exomes 0.00035 and 0.00063; ExAC 0.00036; 1000 Genomes Project 0.00040; TOPMed 0.00043; gnomAD 0.00044 and 0.00046; 1000 Genomes Project 30x 0.00062.
gnomAD v4.1: 965 of 1,602,044 alleles (0.06%); highest among the groups gnomAD compares: Non-Finnish European, 0.079%; 1 homozygote.

Submissions (2):

CeGaT Center for Human Genetics Tuebingen
Classification: Likely benign. Last evaluated: 2026-03-01. Review status: criteria provided, single submitter. Criteria: CeGaT Center For Human Genetics Tuebingen Variant Classification Criteria Version 2. Collection method: clinical testing. Allele origin: germline. Affected: yes. Observed: 1 variant allele.
Comment: RREB1: BP4, BP7

Labcorp Genetics (formerly Invitae), Labcorp
Classification: Likely benign. Last evaluated: 2019-12-31. Review status: criteria provided, single submitter. Criteria: Invitae Variant Classification Sherloc (09022015). Collection method: clinical testing. Allele origin: germline.

NM_001003699.4(RREB1):c.996T>C (p.Ala332=)

Gene: RREB1 (ras responsive element binding protein 1; plus strand). Cytogenetic location: 6p24.3.
Variant type: single nucleotide variant.
Coding change: c.996T>C on transcript NM_001003699.4 (MANE Select); coding-DNA position 996, T replaced by C.
Protein change: p.Ala332=; no amino-acid change (alanine 332 retained).
Molecular consequence: synonymous variant.
Genome position (GRCh38, 1-based): chr6:7,229,095, T>C. VCF-style: chr6-7229095-T-C. GRCh37 (hg19) VCF-style: chr6-7229328-T-C.
Other names: c.996T>C, p.Ala332= (NM_001003698.4, NM_001003700.2, NM_001168344.2).
Identifiers: ClinVar variation 708100 (VCV000708100.8), dbSNP rs146024995, ClinGen allele CA3625433.
Genomic context (GRCh38, chr6:7,229,095, plus strand): 5'-GCAACACCGTTTTGTCTGCGACACCTGTGACAAGGCGTTCCCCATGCTCTGCTCACTGGC[T>C]CTGCACAAGCAGACCCATGTGGCGGCAGACCAGGGTCAAGAAAAGCCGCAGGCCACGCCC-3'
Protein context (NP_001003699.1, residues 322-342): DKAFPMLCSL[Ala332=]LHKQTHVAAD